The following is an entry in ClinVar:

NM_182961.4(SYNE1):c.6151G>C (p.Ala2051Pro)

Gene: SYNE1 (spectrin repeat containing nuclear envelope protein 1; minus strand). Cytogenetic location: 6q25.2.
Variant type: single nucleotide variant.
Coding change: c.6151G>C on transcript NM_182961.4 (MANE Select); coding-DNA position 6151, G replaced by C.
Protein change: p.Ala2051Pro; replaces alanine 2051 with proline.
Molecular consequence: missense variant.
Genome position (GRCh38, 1-based): chr6:152,413,431, C>G on the plus strand (G>C on the coding strand, the complement: SYNE1 is on the minus strand). VCF-style: chr6-152413431-C-G. GRCh37 (hg19) VCF-style: chr6-152734566-C-G.
Other names: c.6172G>C, p.Ala2058Pro (NM_033071.5); short protein forms A2058P, A2051P.
Identifiers: ClinVar variation 565694 (VCV000565694.35), dbSNP rs376518010, ClinGen allele CA4058152.

ClinVar aggregate classification (germline): Conflicting classifications of pathogenicity. Review status: criteria provided, conflicting classifications (1 of 4 stars). 3 submissions from 3 submitters: Uncertain significance (2); Likely benign (1). Last evaluated 2023-06-01.

Conditions:
Autosomal recessive ataxia, Beauce type. Also called: Spinocerebellar ataxia, autosomal recessive 8; ATAXIA, RECESSIVE, OF BEAUCE; SYNE1-Related Autosomal Recessive Cerebellar Ataxia; SYNE1 Deficiency. Identifiers: Orphanet 88644, MedGen C1853116, MONDO:0012549, OMIM 610743.
Emery-Dreifuss muscular dystrophy 4, autosomal dominant (EDMD4). Also called: EMERY-DREIFUSS MUSCULAR DYSTROPHY 4 WITH VARIABLE FEATURES. Identifiers: Orphanet 261, MedGen C2751807, MONDO:0013071, OMIM 612998.

Allele frequency attached by ClinVar (database versions not stated): gnomAD exomes 0.00001; ExAC 0.00002; TOPMed 0.00002; gnomAD 0.00003; ESP Exome Variant Server 0.00008.
gnomAD v4.1: 20 of 1,614,064 alleles (0.0012%); highest among the groups gnomAD compares: Non-Finnish European, 0.0016%; no homozygotes.

Submissions (3):

CeGaT Center for Human Genetics Tuebingen
Classification: Likely benign. Last evaluated: 2023-06-01. Review status: criteria provided, single submitter. Criteria: CeGaT Center For Human Genetics Tuebingen Variant Classification Criteria Version 2. Collection method: clinical testing. Allele origin: germline. Affected: yes. Observed: 1 variant allele.
Comment: SYNE1: BP4

Revvity Omics, Revvity
Classification: Uncertain significance. Last evaluated: 2019-05-03. Review status: criteria provided, single submitter. Criteria: ACMG Guidelines, 2015. Collection method: clinical testing. Allele origin: germline.

Labcorp Genetics (formerly Invitae), Labcorp
Classification: Uncertain significance for Emery-Dreifuss muscular dystrophy 4, autosomal dominant; Autosomal recessive ataxia, Beauce type. Last evaluated: 2018-04-06. Review status: criteria provided, single submitter. Criteria: Invitae Variant Classification Sherloc (09022015). Collection method: clinical testing. Allele origin: germline.
Comment: In summary, the available evidence is currently insufficient to determine the role of this variant in disease. Therefore, it has been classified as a Variant of Uncertain Significance. Algorithms developed to predict the effect of missense changes on protein structure and function do not agree on the potential impact of this missense change (SIFT: "Deleterious"; PolyPhen-2: "Benign"; Align-GVGD: "Class C0"). This variant has not been reported in the literature in individuals with SYNE1-related disease. This variant is present in population databases (rs376518010, ExAC 0.003%). This sequence change replaces alanine with proline at codon 2058 of the SYNE1 protein (p.Ala2058Pro). The alanine residue is moderately conserved and there is a small physicochemical difference between alanine and proline.